The following is an entry in ClinVar:

ClinVar aggregate classification (germline): Conflicting classifications of pathogenicity. Review status: criteria provided, conflicting classifications (1 of 4 stars). 3 submissions from 3 submitters: Pathogenic (1); Uncertain significance (1). 1 of the submissions does not count toward it. Last evaluated 2024-01-24.

Conditions:
Charcot-Marie-Tooth disease. Also called: Charcot-Marie-Tooth Hereditary Neuropathy; Charcot-Marie-Tooth Neuropathy. Identifiers: Orphanet 166, MedGen C0007959, MONDO:0015626.
Hereditary insensitivity to pain with anhidrosis (CIPA). Also called: NTRK1 Congenital Insensitivity to Pain with Anhidrosis; NEUROPATHY, CONGENITAL SENSORY, WITH ANHIDROSIS; HSAN Type IV; hereditary sensory and autonomic neuropathy type 4; FAMILIAL DYSAUTONOMIA, TYPE II; INSENSITIVITY TO PAIN, CONGENITAL, WITH ANHIDROSIS. Identifiers: Orphanet 642, MedGen C0020074, MONDO:0009746, OMIM 256800.

Submissions (3):

Labcorp Genetics (formerly Invitae), Labcorp
Classification: Pathogenic for Hereditary insensitivity to pain with anhidrosis. Last evaluated: 2024-01-24. Review status: criteria provided, single submitter. Criteria: Invitae Variant Classification Sherloc (09022015). Collection method: clinical testing. Allele origin: germline.
Comment: This sequence change creates a premature translational stop signal (p.Leu579Argfs*73) in the NTRK1 gene. It is expected to result in an absent or disrupted protein product. Loss-of-function variants in NTRK1 are known to be pathogenic (PMID: 10982191). This variant is not present in population databases (gnomAD no frequency). This premature translational stop signal has been observed in individual(s) with congenital insensitivity to pain with anhidrosis (PMID: 10982191). ClinVar contains an entry for this variant (Variation ID: 637429). For these reasons, this variant has been classified as Pathogenic.

Genome-Nilou Lab
Classification: Uncertain significance for Hereditary insensitivity to pain with anhidrosis. Last evaluated: 2021-07-22. Review status: criteria provided, single submitter. Criteria: ACMG Guidelines, 2015. Collection method: clinical testing. Allele origin: germline. Affected: no.

Inherited Neuropathy Consortium
Classification: Uncertain significance for Charcot-Marie-Tooth disease. Review status: no assertion criteria provided. Collection method: literature only. Allele origin: germline. Affected: yes. Not counted in ClinVar's aggregate classification.

Literature cited by the submitters: PubMed 10982191 (cited by Labcorp Genetics (formerly Invitae), Labcorp and Inherited Neuropathy Consortium).

NM_002529.4(NTRK1):c.1754del (p.Leu585fs)

Gene: NTRK1 (neurotrophic receptor tyrosine kinase 1; plus strand). Cytogenetic location: 1q23.1.
Variant type: Deletion.
Coding change: c.1754del on transcript NM_002529.4 (MANE Select); coding-DNA position 1754, one base deleted (T; older notation c.1754delT).
Protein change: p.Leu585fs; shifts the reading frame from leucine 585.
Molecular consequence: frameshift variant.
Genome position (GRCh38, 1-based): chr1:156,876,521, T deleted. VCF-style (leftmost placement, unchanged base first): chr1-156876520-CT-C. GRCh37 (hg19) VCF-style: chr1-156846312-CT-C.
Other names: c.1646del, p.Leu549fs (NM_001007792.1); c.1736del, p.Leu579fs (NM_001012331.2); c.1754delT (NM_002529.3); short protein forms L579fs, L549fs, L585fs.
Identifiers: ClinVar variation 637429 (VCV000637429.7), dbSNP rs1571699945, ClinGen allele CA915941476.